The following is an entry in ClinVar:

NM_145045.5(ODAD3):c.1568T>C (p.Leu523Pro)

Gene: ODAD3 (outer dynein arm docking complex subunit 3; minus strand). Cytogenetic location: 19p13.2.
Variant type: single nucleotide variant.
Coding change: c.1568T>C on transcript NM_145045.5 (MANE Select); coding-DNA position 1568, T replaced by C.
Protein change: p.Leu523Pro; replaces leucine 523 with proline.
Molecular consequence: missense variant.
Genome position (GRCh38, 1-based): chr19:11,421,699, A>G on the plus strand (T>C on the coding strand, the complement: ODAD3 is on the minus strand). VCF-style: chr19-11421699-A-G. GRCh37 (hg19) VCF-style: chr19-11532367-A-G.
Other names: c.1406T>C, p.Leu469Pro (NM_001302453.1); c.1388T>C, p.Leu463Pro (NM_001302454.2); short protein forms L463P, L469P, L523P.
Identifiers: ClinVar variation 1682759 (VCV001682759.6), dbSNP rs1157969932, ClinGen allele CA404119171.

ClinVar aggregate classification (germline): Uncertain significance (1 of 4 stars; one submission).

Conditions:
Primary ciliary dyskinesia 30. Also called: CILIARY DYSKINESIA, PRIMARY, 30, WITH OR WITHOUT SITUS INVERSUS. Identifiers: Orphanet 244, MedGen C4015016, MONDO:0014465, OMIM 616037.

Allele frequency attached by ClinVar (database versions not stated): gnomAD 0.00001.
gnomAD v4.1: 1 of 1,613,000 alleles (0.000062%); highest among the groups gnomAD compares: East Asian, 0.0022%; no homozygotes.

Submission:

Labcorp Genetics (formerly Invitae), Labcorp
Classification: Uncertain significance for Primary ciliary dyskinesia 30. Last evaluated: 2022-10-13. Review status: criteria provided, single submitter. Criteria: Invitae Variant Classification Sherloc (09022015). Collection method: clinical testing. Allele origin: germline.
Comment: In summary, the available evidence is currently insufficient to determine the role of this variant in disease. Therefore, it has been classified as a Variant of Uncertain Significance. Algorithms developed to predict the effect of missense changes on protein structure and function are either unavailable or do not agree on the potential impact of this missense change (SIFT: "Deleterious"; PolyPhen-2: "Probably Damaging"; Align-GVGD: "Class C0"). ClinVar contains an entry for this variant (Variation ID: 1682759). This variant has not been reported in the literature in individuals affected with CCDC151-related conditions. This variant is present in population databases (no rsID available, gnomAD 0.06%). This sequence change replaces leucine, which is neutral and non-polar, with proline, which is neutral and non-polar, at codon 523 of the CCDC151 protein (p.Leu523Pro).